The following is an entry in ClinVar:

NC_012920.1(MT-TP):m.15970T>C

Gene: MT-TP (mitochondrially encoded tRNA proline; minus strand).
Variant type: single nucleotide variant.
Genome position: chrM-15970-T-C.
Identifiers: ClinVar variation 690262 (VCV000690262.1), dbSNP rs375213730, ClinGen allele CA337100619.

ClinVar aggregate classification (germline): Benign (1 of 4 stars; one submission).

Conditions:
MELAS syndrome (MELAS). Also called: Juvenile myopathy, encephalopathy, lactic acidosis, stroke. Identifiers: Orphanet 550, MedGen C0162671, MONDO:0010789, OMIM 540000.

Submission:

Wong Mito Lab, Molecular and Human Genetics, Baylor College of Medicine
Classification: Benign for MELAS syndrome. Last evaluated: 2019-07-12. Review status: criteria provided, single submitter. Criteria: Modified ACMG Guidelines (Unpublished). Collection method: clinical testing. Allele origin: germline.
Comment: The NC_012920.1:m.15970T>C variant in MT-TP gene is interpreted to be a Benign variant based on the modified ACMG guidelines (unpublished). This variant meets the following evidence codes reported in the guidelines: BS1, BS2, BP4

Literature cited by the submitters: PubMed 31965079.